The following is an entry in ClinVar:

ClinVar aggregate classification (germline): Uncertain significance (1 of 4 stars; one submission).

Allele frequency attached by ClinVar (database versions not stated): gnomAD exomes below 0.00001.
gnomAD v4.1: 2 of 1,614,188 alleles (0.00012%); highest among the groups gnomAD compares: Non-Finnish European, 0.00017%; no homozygotes.

Submission:

Labcorp Genetics (formerly Invitae), Labcorp
Classification: Uncertain significance. Last evaluated: 2024-12-09. Review status: criteria provided, single submitter. Criteria: Invitae Variant Classification Sherloc (09022015). Collection method: clinical testing. Allele origin: germline.
Comment: This sequence change replaces proline, which is neutral and non-polar, with leucine, which is neutral and non-polar, at codon 359 of the HPS6 protein (p.Pro359Leu). This variant is present in population databases (no rsID available, gnomAD 0.0009%). This variant has not been reported in the literature in individuals affected with HPS6-related conditions. ClinVar contains an entry for this variant (Variation ID: 1406342). Invitae Evidence Modeling of protein sequence and biophysical properties (such as structural, functional, and spatial information, amino acid conservation, physicochemical variation, residue mobility, and thermodynamic stability) indicates that this missense variant is not expected to disrupt HPS6 protein function with a negative predictive value of 80%. In summary, the available evidence is currently insufficient to determine the role of this variant in disease. Therefore, it has been classified as a Variant of Uncertain Significance.

NM_024747.6(HPS6):c.1076C>T (p.Pro359Leu)

Gene: HPS6 (HPS6 biogenesis of lysosomal organelles complex 2 subunit 3; plus strand). Cytogenetic location: 10q24.32.
Variant type: single nucleotide variant.
Coding change: c.1076C>T on transcript NM_024747.6 (MANE Select); coding-DNA position 1076, C replaced by T.
Protein change: p.Pro359Leu; replaces proline 359 with leucine.
Molecular consequence: missense variant.
Genome position (GRCh38, 1-based): chr10:102,066,550, C>T. VCF-style: chr10-102066550-C-T. GRCh37 (hg19) VCF-style: chr10-103826307-C-T.
Other names: short protein forms P359L.
Identifiers: ClinVar variation 1406342 (VCV001406342.7), dbSNP rs1431120412, ClinGen allele CA377864215.